The following is an entry in ClinVar:

ClinVar aggregate classification (germline): Conflicting classifications of pathogenicity. Review status: criteria provided, conflicting classifications (1 of 4 stars). 2 submissions from 2 submitters: Uncertain significance (1); Likely benign (1). Last evaluated 2023-12-21.

Conditions:
Hereditary cancer-predisposing syndrome. Also called: Neoplastic Syndromes, Hereditary; Tumor predisposition; Hereditary Cancer Syndrome; Hereditary neoplastic syndrome. Identifiers: Orphanet 140162, MedGen C0027672, MeSH D009386, MONDO:0015356.
Hereditary nonpolyposis colorectal neoplasms. Identifiers: MedGen C0009405, MeSH D003123.

Allele frequency attached by ClinVar (database versions not stated): gnomAD exomes below 0.00001; ExAC 0.00001.

Submissions (2):

Labcorp Genetics (formerly Invitae), Labcorp
Classification: Likely benign for Hereditary nonpolyposis colorectal neoplasms. Last evaluated: 2023-12-21. Review status: criteria provided, single submitter. Criteria: Invitae Variant Classification Sherloc (09022015). Collection method: clinical testing. Allele origin: germline.

Ambry Genetics
Classification: Uncertain significance for Hereditary cancer-predisposing syndrome. Last evaluated: 2023-10-03. Review status: criteria provided, single submitter. Criteria: Ambry Variant Classification Scheme 2023. Collection method: clinical testing. Allele origin: germline.
Comment: The p.F10L variant (also known as c.28T>C), located in coding exon 1 of the MSH6 gene, results from a T to C substitution at nucleotide position 28. The phenylalanine at codon 10 is replaced by leucine, an amino acid with highly similar properties. This amino acid position is well conserved in available vertebrate species. In addition, the in silico prediction for this alteration is inconclusive. Since supporting evidence is limited at this time, the clinical significance of this alteration remains unclear.

NM_000179.3(MSH6):c.28T>C (p.Phe10Leu)

Gene: MSH6 (mutS homolog 6; plus strand). Cytogenetic location: 2p16.3.
Variant type: single nucleotide variant.
Coding change: c.28T>C on transcript NM_000179.3 (MANE Select); coding-DNA position 28, T replaced by C.
Protein change: p.Phe10Leu; replaces phenylalanine 10 with leucine.
Molecular consequence: missense variant. On other transcripts: 5 prime UTR variant (1).
Genome position (GRCh38, 1-based): chr2:47,783,261, T>C. VCF-style: chr2-47783261-T-C. GRCh37 (hg19) VCF-style: chr2-48010400-T-C.
Other names: c.-709T>C (NM_001281493.2, NM_001406811.1); c.28T>C, p.Phe10Leu (NM_001281492.2, NM_001406795.1, NM_001406796.1 and 9 more transcripts); c.-301T>C (NM_001406799.1); c.-28T>C (NM_001406804.1); c.-901T>C (NM_001406807.1); c.-556T>C (NM_001406812.1); c.-967T>C (NM_001406814.1); c.-512T>C (NM_001406816.1); short protein forms F10L.
Identifiers: ClinVar variation 1797436 (VCV001797436.5), dbSNP rs773861137, ClinGen allele CA069791.